The following is an entry in ClinVar:

NM_001849.4(COL6A2):c.1987G>A (p.Val663Met)

Gene: COL6A2 (collagen type VI alpha 2 chain; plus strand). Cytogenetic location: 21q22.3.
Variant type: single nucleotide variant.
Coding change: c.1987G>A on transcript NM_001849.4 (MANE Select); coding-DNA position 1987, G replaced by A.
Protein change: p.Val663Met; replaces valine 663 with methionine.
Molecular consequence: missense variant.
Genome position (GRCh38, 1-based): chr21:46,125,802, G>A. VCF-style: chr21-46125802-G-A. GRCh37 (hg19) VCF-style: chr21-47545716-G-A.
Other names: c.1987G>A, p.Val663Met (NM_058174.3, NM_058175.3); short protein forms V663M.
Identifiers: ClinVar variation 1395832 (VCV001395832.32), dbSNP rs2123663062, ClinGen allele CA410539587.

ClinVar aggregate classification (germline): Uncertain significance. Review status: criteria provided, multiple submitters, no conflicts (2 of 4 stars). 2 submissions from 2 submitters: Uncertain significance (2). Last evaluated 2022-12-02.

Conditions:
Bethlem myopathy 1A. Also called: MYOPATHY, BENIGN CONGENITAL, WITH CONTRACTURES; Bethlem myopathy 1; Bethlem Muscular Dystrophy. Identifiers: Orphanet 610, MedGen CN029274, MONDO:0024530, OMIM 158810.

gnomAD v4.1: 1 of 1,612,764 alleles (0.000062%); highest among the groups gnomAD compares: Non-Finnish European, 0.000085%; no homozygotes.

Submissions (2):

Labcorp Genetics (formerly Invitae), Labcorp
Classification: Uncertain significance for Bethlem myopathy 1A. Last evaluated: 2022-12-02. Review status: criteria provided, single submitter. Criteria: Invitae Variant Classification Sherloc (09022015). Collection method: clinical testing. Allele origin: germline.
Comment: This sequence change replaces valine, which is neutral and non-polar, with methionine, which is neutral and non-polar, at codon 663 of the COL6A2 protein (p.Val663Met). This variant is not present in population databases (gnomAD no frequency). This variant has not been reported in the literature in individuals affected with COL6A2-related conditions. ClinVar contains an entry for this variant (Variation ID: 1395832). Advanced modeling of protein sequence and biophysical properties (such as structural, functional, and spatial information, amino acid conservation, physicochemical variation, residue mobility, and thermodynamic stability) performed at Invitae indicates that this missense variant is expected to disrupt COL6A2 protein function. In summary, the available evidence is currently insufficient to determine the role of this variant in disease. Therefore, it has been classified as a Variant of Uncertain Significance.

CeGaT Center for Human Genetics Tuebingen
Classification: Uncertain significance. Last evaluated: 2022-03-01. Review status: criteria provided, single submitter. Criteria: CeGaT Center For Human Genetics Tuebingen Variant Classification Criteria Version 2. Collection method: clinical testing. Allele origin: germline. Affected: yes. Observed: 1 variant allele.
Comment: COL6A2: PM2, PP3